The following is an entry in ClinVar:

ClinVar aggregate classification (germline): Uncertain significance. Review status: criteria provided, multiple submitters, no conflicts (2 of 4 stars). 2 submissions from 2 submitters: Uncertain significance (2). Last evaluated 2024-10-03.

Conditions:
Inborn genetic diseases. Identifiers: MedGen C0950123, MeSH D030342.
Leber congenital amaurosis 1 (LCA1). Also called: Congenital absence of the rods and cones; Leber's congenital tapetoretinal degeneration; Leber's congenital tapetoretinal dysplasia; AMAUROSIS CONGENITA OF LEBER I; RETINAL BLINDNESS, CONGENITAL. Identifiers: Orphanet 65, MedGen C2931258, MONDO:0008764, OMIM 204000.
Cone-rod dystrophy 6 (CORD6). Also called: Cone dystrophy progressive; RETINAL CONE DYSTROPHY 2. Identifiers: Orphanet 1872, MedGen C1866293, MONDO:0011143, OMIM 601777.

gnomAD v4.1: 2 of 1,613,728 alleles (0.00012%); highest among the groups gnomAD compares: Non-Finnish European, 0.00017%; no homozygotes.

Submissions (2):

Ambry Genetics
Classification: Uncertain significance for Inborn genetic diseases. Last evaluated: 2024-10-03. Review status: criteria provided, single submitter. Criteria: Ambry Variant Classification Scheme 2023. Collection method: clinical testing. Allele origin: germline.

Labcorp Genetics (formerly Invitae), Labcorp
Classification: Uncertain significance for Leber congenital amaurosis 1; Cone-rod dystrophy 6. Last evaluated: 2020-07-01. Review status: criteria provided, single submitter. Criteria: Invitae Variant Classification Sherloc (09022015). Collection method: clinical testing. Allele origin: germline.
Comment: This sequence change replaces arginine with leucine at codon 540 of the GUCY2D protein (p.Arg540Leu). The arginine residue is highly conserved and there is a moderate physicochemical difference between arginine and leucine. This variant is not present in population databases (ExAC no frequency). This variant has not been reported in the literature in individuals with GUCY2D-related conditions. Algorithms developed to predict the effect of missense changes on protein structure and function are either unavailable or do not agree on the potential impact of this missense change (SIFT: "Deleterious"; PolyPhen-2: "Benign"; Align-GVGD: "Class C65"). In summary, the available evidence is currently insufficient to determine the role of this variant in disease. Therefore, it has been classified as a Variant of Uncertain Significance.

NM_000180.4(GUCY2D):c.1619G>T (p.Arg540Leu)

Gene: GUCY2D (guanylate cyclase 2D, retinal; plus strand). Cytogenetic location: 17p13.1.
Variant type: single nucleotide variant.
Coding change: c.1619G>T on transcript NM_000180.4 (MANE Select); coding-DNA position 1619, G replaced by T.
Protein change: p.Arg540Leu; replaces arginine 540 with leucine.
Molecular consequence: missense variant.
Genome position (GRCh38, 1-based): chr17:8,007,983, G>T. VCF-style: chr17-8007983-G-T. GRCh37 (hg19) VCF-style: chr17-7911301-G-T.
Other names: c.1619G>T (NM_000180.3); short protein forms R540L.
Identifiers: ClinVar variation 1056671 (VCV001056671.10), dbSNP rs372005126, ClinGen allele CA397949756.